The following is an entry in ClinVar:

ClinVar aggregate classification (germline): Conflicting classifications of pathogenicity. Review status: criteria provided, conflicting classifications (1 of 4 stars). 2 submissions from 2 submitters: Uncertain significance (1); Likely benign (1). Last evaluated 2024-12-20.

Conditions:
Erythrocytosis, familial, 3 (ECYT3). Identifiers: Orphanet 247511, MedGen C1853286, MONDO:0012353, OMIM 609820.

Allele frequency attached by ClinVar (database versions not stated): gnomAD 0.00001; TOPMed 0.00002; ESP Exome Variant Server 0.00011.

Submissions (2):

Ambry Genetics
Classification: Likely benign. Last evaluated: 2024-12-20. Review status: criteria provided, single submitter. Criteria: Ambry Variant Classification Scheme 2023. Collection method: clinical testing. Allele origin: germline.

Labcorp Genetics (formerly Invitae), Labcorp
Classification: Uncertain significance for Erythrocytosis, familial, 3. Last evaluated: 2023-06-03. Review status: criteria provided, single submitter. Criteria: Invitae Variant Classification Sherloc (09022015). Collection method: clinical testing. Allele origin: germline.
Comment: In summary, the available evidence is currently insufficient to determine the role of this variant in disease. Therefore, it has been classified as a Variant of Uncertain Significance. An algorithm developed to predict the effect of missense changes on protein structure and function (PolyPhen-2) suggests that this variant is likely to be tolerated. ClinVar contains an entry for this variant (Variation ID: 1059318). This variant has not been reported in the literature in individuals affected with EGLN1-related conditions. The frequency data for this variant in the population databases is considered unreliable, as metrics indicate poor data quality at this position in the gnomAD database. This sequence change replaces proline, which is neutral and non-polar, with threonine, which is neutral and polar, at codon 149 of the EGLN1 protein (p.Pro149Thr).

NM_022051.3(EGLN1):c.445C>A (p.Pro149Thr)

Gene: EGLN1 (egl-9 family hypoxia inducible factor 1; minus strand). Cytogenetic location: 1q42.2.
Variant type: single nucleotide variant.
Coding change: c.445C>A on transcript NM_022051.3 (MANE Select); coding-DNA position 445, C replaced by A.
Protein change: p.Pro149Thr; replaces proline 149 with threonine.
Molecular consequence: missense variant.
Genome position (GRCh38, 1-based): chr1:231,421,444, G>T on the plus strand (C>A on the coding strand, the complement: EGLN1 is on the minus strand). VCF-style: chr1-231421444-G-T. GRCh37 (hg19) VCF-style: chr1-231557190-G-T.
Other names: c.445C>A, p.Pro149Thr (NM_001377260.1, NM_001377261.1); c.445C>A (NM_022051.2); short protein forms P149T.
Identifiers: ClinVar variation 1059318 (VCV001059318.6), dbSNP rs374893731, ClinGen allele CA38948781.